The following is an entry in ClinVar:

NM_000218.3(KCNQ1):c.1394-19115T>C

Genes: KCNQ1 (potassium voltage-gated channel subfamily Q member 1; plus strand), KCNQ1OT1 (KCNQ1 opposite strand/antisense transcript 1; minus strand). Cytogenetic location: 11p15.5.
Variant type: single nucleotide variant.
Coding change: c.1394-19115T>C on transcript NM_000218.3 (MANE Select); 19115 bases into the intron before coding-DNA position 1394, T replaced by C.
Molecular consequence: intron variant.
Genome position (GRCh38, 1-based): chr11:2,642,846, T>C. VCF-style: chr11-2642846-T-C. GRCh37 (hg19) VCF-style: chr11-2664076-T-C.
Other names: c.1124-19115T>C (NM_001406837.1); c.1298-19115T>C (NM_001406836.1); c.854-19115T>C (NM_001406838.1); c.1013-19115T>C (NM_181798.2).
Identifiers: ClinVar variation 2498484 (VCV002498484.28), dbSNP rs1036446790, ClinGen allele CA216155884.

ClinVar aggregate classification (germline): Benign (1 of 4 stars; one submission).

Allele frequency attached by ClinVar (database versions not stated): gnomAD 0.00054; TOPMed 0.00059; gnomAD exomes 0.00090.
gnomAD v4.1: 316 of 397,846 alleles (0.079%); highest among the groups gnomAD compares: Non-Finnish European, 0.018%; 8 homozygotes.

Submission:

CeGaT Center for Human Genetics Tuebingen
Classification: Benign. Last evaluated: 2025-12-01. Review status: criteria provided, single submitter. Criteria: CeGaT Center For Human Genetics Tuebingen Variant Classification Criteria Version 2. Collection method: clinical testing. Allele origin: germline. Affected: yes. Observed: 25 variant alleles.
Comment: KCNQ1OT1: BS1, BS2